The following is an entry in ClinVar:

NM_001370259.2(MEN1):c.1531G>A (p.Val511Met)

Gene: MEN1 (menin 1; minus strand). Cytogenetic location: 11q13.1.
Variant type: single nucleotide variant.
Coding change: c.1531G>A on transcript NM_001370259.2 (MANE Select); coding-DNA position 1531, G replaced by A.
Protein change: p.Val511Met; replaces valine 511 with methionine.
Molecular consequence: missense variant.
Genome position (GRCh38, 1-based): chr11:64,804,636, C>T on the plus strand (G>A on the coding strand, the complement: MEN1 is on the minus strand). VCF-style: chr11-64804636-C-T. GRCh37 (hg19) VCF-style: chr11-64572108-C-T.
Other names: c.1546G>A, p.Val516Met (NM_000244.4, NM_130800.3, NM_130801.3 and 3 more transcripts); c.1657G>A, p.Val553Met (NM_001370251.2); c.1531G>A, p.Val511Met (NM_001370260.2, NM_001370261.2, NM_130799.3); c.1426G>A, p.Val476Met (NM_001370262.2, NM_001370263.2); short protein forms V511M, V516M, V476M, V553M.
Identifiers: ClinVar variation 819471 (VCV000819471.5), dbSNP rs1592631976, ClinGen allele CA381178650.

ClinVar aggregate classification (germline): Uncertain significance (1 of 4 stars; one submission).

Conditions:
Hereditary cancer-predisposing syndrome. Also called: Neoplastic Syndromes, Hereditary; Tumor predisposition; Hereditary Cancer Syndrome; Hereditary neoplastic syndrome. Identifiers: Orphanet 140162, MedGen C0027672, MeSH D009386, MONDO:0015356.

Submission:

Ambry Genetics
Classification: Uncertain significance for Hereditary cancer-predisposing syndrome. Last evaluated: 2022-01-14. Review status: criteria provided, single submitter. Criteria: Ambry Variant Classification Scheme 2023. Collection method: clinical testing. Allele origin: germline.
Comment: The p.V511M variant (also known as c.1531G>A), located in coding exon 9 of the MEN1 gene, results from a G to A substitution at nucleotide position 1531. The valine at codon 511 is replaced by methionine, an amino acid with highly similar properties. This amino acid position is not well conserved in available vertebrate species. In addition, this alteration is predicted to be tolerated by in silico analysis. Since supporting evidence is limited at this time, the clinical significance of this alteration remains unclear.